The following is an entry in ClinVar:

ClinVar aggregate classification (germline): Uncertain significance (1 of 4 stars; one submission).

Conditions:
Ullrich congenital muscular dystrophy 2 (UCMD2). Identifiers: Orphanet 75840, MedGen C4225314, MONDO:0014654, OMIM 616470.
Bethlem myopathy 2 (BTHLM2). Identifiers: Orphanet 536516, Orphanet 610, MedGen C4225313, MONDO:0034022, OMIM 616471.

Allele frequency attached by ClinVar (database versions not stated): TOPMed below 0.00001.

Submission:

Labcorp Genetics (formerly Invitae), Labcorp
Classification: Uncertain significance for Bethlem myopathy 2; Ullrich congenital muscular dystrophy 2. Last evaluated: 2022-10-23. Review status: criteria provided, single submitter. Criteria: Invitae Variant Classification Sherloc (09022015). Collection method: clinical testing. Allele origin: germline.
Comment: In summary, the available evidence is currently insufficient to determine the role of this variant in disease. Therefore, it has been classified as a Variant of Uncertain Significance. Advanced modeling of protein sequence and biophysical properties (such as structural, functional, and spatial information, amino acid conservation, physicochemical variation, residue mobility, and thermodynamic stability) has been performed at Invitae for this missense variant, however the output from this modeling did not meet the statistical confidence thresholds required to predict the impact of this variant on COL12A1 protein function. This variant has not been reported in the literature in individuals affected with COL12A1-related conditions. This variant is not present in population databases (gnomAD no frequency). This sequence change replaces valine, which is neutral and non-polar, with alanine, which is neutral and non-polar, at codon 269 of the COL12A1 protein (p.Val269Ala).

NM_004370.6(COL12A1):c.806T>C (p.Val269Ala)

Gene: COL12A1 (collagen type XII alpha 1 chain; minus strand). Cytogenetic location: 6q13.
Variant type: single nucleotide variant.
Coding change: c.806T>C on transcript NM_004370.6 (MANE Select); coding-DNA position 806, T replaced by C.
Protein change: p.Val269Ala; replaces valine 269 with alanine.
Molecular consequence: missense variant. On other transcripts: intron variant (1).
Genome position (GRCh38, 1-based): chr6:75,189,234, A>G on the plus strand (T>C on the coding strand, the complement: COL12A1 is on the minus strand). VCF-style: chr6-75189234-A-G. GRCh37 (hg19) VCF-style: chr6-75898950-A-G.
Other names: c.73+13486T>C (NM_080645.3); short protein forms V269A.
Identifiers: ClinVar variation 1721770 (VCV001721770.6), dbSNP rs1769796395, ClinGen allele CA364727816.
Genomic context (GRCh38, chr6:75,189,234, plus strand): 5'-GTAGGAGTTGTAAAATGGAAATAATTAACTGAACTTAACCTACCCAAGGAGAAAACTTCA[A>G]CTCCAACATTACGAAGCTCTCTTGCTGGAATTTCCACTTCATCCTGGGATTTTCCATCCG-3'
Protein context (NP_004361.3, residues 259-279): IPARELRNVG[Val269Ala]EVFSLGIKAA